The following is an entry in ClinVar:

ClinVar aggregate classification (germline): Conflicting classifications of pathogenicity. Review status: criteria provided, conflicting classifications (1 of 4 stars). 8 submissions from 8 submitters: Uncertain significance (5); Likely benign (1). 2 of the submissions do not count toward it. Last evaluated 2024-05-10.

Conditions:
Cardiovascular phenotype. Identifiers: MedGen CN230736.
Dilated cardiomyopathy 1CC (CMD1CC). Identifiers: Orphanet 154, MedGen C2751084, MONDO:0013147, OMIM 613122.
Hypertrophic cardiomyopathy 20. Identifiers: MedGen C3151267, MONDO:0013477, OMIM 613876.
Cardiomyopathy (CMYO). Also called: Cardiomyopathies. Identifiers: Orphanet 167848, MedGen C0878544, MONDO:0004994, HP:0001638. Inheritance: Various modes of inheritance.

Submissions (8):

GeneDx
Classification: Uncertain significance. Last evaluated: 2024-05-10. Review status: criteria provided, single submitter. Criteria: GeneDx Variant Classification Process June 2021. Collection method: clinical testing. Allele origin: germline. Affected: yes.
Comment: In silico analysis supports a deleterious effect on protein structure/function; In-frame deletion of 1 amino acid in a non-repeat region; Identified in a patient with HCM in the published literature; reported as c.987_989delAGA due to the use of alternate nomenclature (PMID: 28611029); This variant is associated with the following publications: (PMID: 28611029)

Labcorp Genetics (formerly Invitae), Labcorp
Classification: Uncertain significance for Dilated cardiomyopathy 1CC; Hypertrophic cardiomyopathy 20. Last evaluated: 2021-12-24. Review status: criteria provided, single submitter. Criteria: Invitae Variant Classification Sherloc (09022015). Collection method: clinical testing. Allele origin: germline.
Comment: This variant, c.995_997del, results in the deletion of 1 amino acid(s) of the NEXN protein (p.Glu332del), but otherwise preserves the integrity of the reading frame. This variant is present in population databases (rs751883872, gnomAD 0.06%). This variant has been observed in individual(s) with cardiomyopathy (PMID: 28611029). This variant is also known as c.987_989delAGA (p.Ala329_Glu330delinsAla). ClinVar contains an entry for this variant (Variation ID: 179783). Experimental studies and prediction algorithms are not available or were not evaluated, and the functional significance of this variant is currently unknown. In summary, the available evidence is currently insufficient to determine the role of this variant in disease. Therefore, it has been classified as a Variant of Uncertain Significance.

Fulgent Genetics
Classification: Uncertain significance for Dilated cardiomyopathy 1CC; Hypertrophic cardiomyopathy 20. Last evaluated: 2021-08-30. Review status: criteria provided, single submitter. Criteria: ACMG Guidelines, 2015. Collection method: clinical testing. Allele origin: unknown.

Ambry Genetics
Classification: Likely benign for Cardiovascular phenotype. Last evaluated: 2019-10-29. Review status: criteria provided, single submitter. Criteria: Ambry Variant Classification Scheme 2023. Collection method: clinical testing. Allele origin: germline.

CHEO Genetics Diagnostic Laboratory, Children's Hospital of Eastern Ontario
Classification: Uncertain significance for Cardiomyopathy. Last evaluated: 2017-10-13. Review status: criteria provided, single submitter. Criteria: ACMG Guidelines, 2015. Collection method: clinical testing. Allele origin: germline. Study: Canadian Open Genetics Repository.

Laboratory for Molecular Medicine, Mass General Brigham Personalized Medicine
Classification: Uncertain significance. Last evaluated: 2015-08-12. Review status: criteria provided, single submitter. Criteria: LMM Criteria. Collection method: clinical testing. Allele origin: germline. Observed: 2 variant alleles.
Comment: This variant has also been identified in 12/16490 of South Asian chromosomes by the Exome Aggregation Consortium (ExAC; dbSNP rs727505124). This variant is a deletion of 1 amino acid at p osition 332 and is not predicted to alter the protein reading-frame. It is uncle ar if this deletion will impact the protein. In summary, the clinical significan ce of the p.Glu332del variant is uncertain.

Clinical Genetics, Academic Medical Center
Classification: Uncertain significance. Review status: no assertion criteria provided. Collection method: clinical testing. Allele origin: germline. Affected: yes. Study: VKGL Data-share Consensus. Not counted in ClinVar's aggregate classification.

Joint Genome Diagnostic Labs from Nijmegen and Maastricht, Radboudumc and MUMC+
Classification: Uncertain significance. Review status: no assertion criteria provided. Collection method: clinical testing. Allele origin: germline. Affected: yes. Study: VKGL Data-share Consensus. Not counted in ClinVar's aggregate classification.

Literature cited by the submitters: PubMed 28611029 (cited by Labcorp Genetics (formerly Invitae), Labcorp and Ambry Genetics).

NM_144573.4(NEXN):c.989AAG[2] (p.Glu332del)

Gene: NEXN (nexilin F-actin binding protein; plus strand). Cytogenetic location: 1p31.1.
Variant type: Microsatellite.
Coding change: c.989AAG[2] on transcript NM_144573.4 (MANE Select); two copies in a row of the 3-base unit AAG starting at c.989; the reference has three copies in a row; one copy, 3 bases deleted; also written c.995_997del.
Protein change: p.Glu332del; deletes glutamic acid 332.
Molecular consequence: inframe deletion.
Genome position (GRCh38, 1-based): chr1:77,929,446-77,929,448, AAG deleted; deleting any 3 consecutive bases within chr1:77,929,438-77,929,448 gives the same sequence; the position shown is the placement nearest the transcript's 3' end. VCF-style (leftmost placement, unchanged base first): chr1-77929437-CAGA-C. GRCh37 (hg19) VCF-style: chr1-78395122-CAGA-C.
Other names: c.995_997del (NM_144573.4); c.995_997delAAG (NM_144573.3); c.797AAG[2], p.Glu268del (NM_001172309.2); short protein forms E332del, E268del.
Identifiers: ClinVar variation 179783 (VCV000179783.18), dbSNP rs727505124, ClinGen allele CA185123.